The following is an entry in ClinVar:

NM_017802.4(DNAAF5):c.1049G>A (p.Arg350Gln)

Gene: DNAAF5 (dynein axonemal assembly factor 5; plus strand). Cytogenetic location: 7p22.3.
Variant type: single nucleotide variant.
Coding change: c.1049G>A on transcript NM_017802.4 (MANE Select); coding-DNA position 1049, G replaced by A.
Protein change: p.Arg350Gln; replaces arginine 350 with glutamine.
Molecular consequence: missense variant. On other transcripts: non-coding transcript variant (1).
Genome position (GRCh38, 1-based): chr7:754,613, G>A. VCF-style: chr7-754613-G-A. GRCh37 (hg19) VCF-style: chr7-794250-G-A.
Other names: short protein forms R350Q.
Identifiers: ClinVar variation 4012514 (VCV004012514.1).

ClinVar aggregate classification (germline): Uncertain significance (1 of 4 stars; one submission).

Conditions:
Primary ciliary dyskinesia. Also called: Ciliary dyskinesia. Identifiers: Orphanet 244, MedGen C0008780, MONDO:0016575, HP:0012265.

gnomAD v4.1: 100 of 1,614,050 alleles (0.0062%); highest among the groups gnomAD compares: Admixed American, 0.077%; 1 homozygote.

Submission:

Ambry Genetics
Classification: Uncertain significance for Primary ciliary dyskinesia. Last evaluated: 2025-04-11. Review status: criteria provided, single submitter. Criteria: Ambry Variant Classification Scheme 2023. Collection method: clinical testing. Allele origin: germline.
Comment: The p.R350Q variant (also known as c.1049G>A), located in coding exon 5 of the DNAAF5 gene, results from a G to A substitution at nucleotide position 1049. The arginine at codon 350 is replaced by glutamine, an amino acid with highly similar properties. This amino acid position is conserved. In addition, this alteration is predicted to be deleterious by in silico analysis. Based on the available evidence, the clinical significance of this variant remains unclear.